The following is an entry in ClinVar:

ClinVar aggregate classification (germline): Pathogenic. Review status: criteria provided, multiple submitters, no conflicts (2 of 4 stars). 2 submissions from 2 submitters: Pathogenic (2). Last evaluated 2023-09-19.

Conditions:
Wilson disease (WND). Also called: Wilson's disease. Identifiers: Orphanet 905, MedGen C0019202, MONDO:0010200, OMIM 277900. Disease mechanism: loss of function.

Submissions (2):

Labcorp Genetics (formerly Invitae), Labcorp
Classification: Pathogenic for Wilson disease. Last evaluated: 2023-09-19. Review status: criteria provided, single submitter. Criteria: Invitae Variant Classification Sherloc (09022015). Collection method: clinical testing. Allele origin: germline.
Comment: For these reasons, this variant has been classified as Pathogenic. Algorithms developed to predict the effect of sequence changes on RNA splicing suggest that this variant may disrupt the consensus splice site. This variant has not been reported in the literature in individuals affected with ATP7B-related conditions. This variant is not present in population databases (gnomAD no frequency). This sequence change creates a premature translational stop signal (p.Ala399Leufs*2) in the ATP7B gene. It is expected to result in an absent or disrupted protein product. Loss-of-function variants in ATP7B are known to be pathogenic (PMID: 10441329, 16283883).

All of Us Research Program, National Institutes of Health
Classification: Pathogenic for Wilson disease. Last evaluated: 2023-03-23. Review status: criteria provided, single submitter. Criteria: ACMG Guidelines, 2015. Collection method: clinical testing. Allele origin: germline. Inheritance: Autosomal recessive inheritance. Observed: 1 variant allele, 1 heterozygote.
Comment: This variant deletes 11 nucleotides in exon 2 of the ATP7B gene, creating a frameshift and premature translation stop signal. This variant is expected to result in an absent or non-functional protein product. To our knowledge, this variant has not been reported in individuals affected with ATP7B-related disorders in the literature. This variant has not been identified in the general population by the Genome Aggregation Database (gnomAD). Loss of ATP7B function is a known mechanism of disease. Based on the available evidence, this variant is classified as Pathogenic.

This study involves interpretation of variants in research participants for the purpose of population health screening. Participant phenotype was not available at the time of variant classification. Additional details can be found in publication PMID: 35346344, PMCID: PMC8962531

Literature cited by the submitters: PubMed 10441329 (cited by Labcorp Genetics (formerly Invitae), Labcorp); PubMed 16283883 (cited by Labcorp Genetics (formerly Invitae), Labcorp).

NM_000053.4(ATP7B):c.1195_1205del (p.Ala399fs)

Gene: ATP7B (ATPase copper transporting beta; minus strand). Cytogenetic location: 13q14.3.
Variant type: Deletion.
Coding change: c.1195_1205del on transcript NM_000053.4 (MANE Select); coding-DNA positions 1195 to 1205, 11 bases deleted (GCAACAGTTCT).
Protein change: p.Ala399fs; shifts the reading frame from alanine 399.
Molecular consequence: frameshift variant.
Genome position (GRCh38, 1-based): chr13:51,974,015-51,974,025, AGAACTGTTGC deleted on the plus strand (GCAACAGTTCT on the coding strand, the reverse complement: ATP7B is on the minus strand); deleting any 11 consecutive bases within chr13:51,974,015-51,974,027 gives the same sequence; the c. name uses the placement nearest the transcript's 3' end. VCF-style (leftmost placement, unchanged base first): chr13-51974014-AAGAACTGTTGC-A. GRCh37 (hg19) VCF-style: chr13-52548150-AAGAACTGTTGC-A.
Other names: c.1195_1205del, p.Ala399fs (NM_001005918.3, NM_001330578.2, NM_001330579.2 and 29 more transcripts); c.862_872del, p.Ala288fs (NM_001243182.2); c.1099_1109del, p.Ala367fs (NM_001406517.1, NM_001406518.1, NM_001406543.1 and 3 more transcripts); c.766_776del, p.Ala256fs (NM_001406539.1); short protein forms A256fs, A399fs, A288fs, A367fs.
Identifiers: ClinVar variation 2891290 (VCV002891290.4), dbSNP rs1593787510, ClinGen allele CA919272433.